The following is an entry in ClinVar:

ClinVar aggregate classification (germline): Conflicting classifications of pathogenicity. Review status: criteria provided, conflicting classifications (1 of 4 stars). 6 submissions from 6 submitters: Uncertain significance (5); Likely benign (1). Last evaluated 2025-09-09.

Conditions:
Hereditary nonpolyposis colorectal neoplasms. Identifiers: MedGen C0009405, MeSH D003123.
Hereditary cancer-predisposing syndrome. Also called: Hereditary Cancer Syndrome; Hereditary neoplastic syndrome; Tumor predisposition; Neoplastic Syndromes, Hereditary. Identifiers: Orphanet 140162, MedGen C0027672, MeSH D009386, MONDO:0015356.
Lynch syndrome. Identifiers: Orphanet 144, MedGen C4552100, MONDO:0005835. Disease mechanism: loss of function.

Allele frequency attached by ClinVar (database versions not stated): gnomAD exomes below 0.00001; TOPMed below 0.00001.
gnomAD v4.1: 2 of 1,614,224 alleles (0.00012%); highest among the groups gnomAD compares: Non-Finnish European, 0.00017%; no homozygotes.

Submissions (6):

Ambry Genetics
Classification: Uncertain significance for Hereditary cancer-predisposing syndrome. Last evaluated: 2025-09-09. Review status: criteria provided, single submitter. Criteria: Ambry Variant Classification Scheme 2023. Collection method: clinical testing. Allele origin: germline.

Labcorp Genetics (formerly Invitae), Labcorp
Classification: Likely benign for Hereditary nonpolyposis colorectal neoplasms. Last evaluated: 2025-08-09. Review status: criteria provided, single submitter. Criteria: Invitae Variant Classification Sherloc (09022015). Collection method: clinical testing. Allele origin: germline.

Color Diagnostics, LLC DBA Color Health
Classification: Uncertain significance for Hereditary cancer-predisposing syndrome. Last evaluated: 2025-03-17. Review status: criteria provided, single submitter. Criteria: ACMG Guidelines, 2015. Collection method: clinical testing. Allele origin: germline.
Comment: This missense variant replaces threonine with serine at codon 521 of the MSH6 protein. Computational prediction suggests that this variant may have deleterious impact on protein structure and function. To our knowledge, functional studies have not been reported for this variant. This variant has not been reported in individuals affected with MSH6-related disorders in the literature. This variant has not been identified in the general population by the Genome Aggregation Database (gnomAD). The available evidence is insufficient to determine the role of this variant in disease conclusively. Therefore, this variant is classified as a Variant of Uncertain Significance.

Center for Genomic Medicine, Rigshospitalet, Copenhagen University Hospital
Classification: Uncertain significance. Last evaluated: 2025-03-04. Review status: criteria provided, single submitter. Criteria: ACMG Guidelines, 2015. Collection method: clinical testing. Allele origin: germline.

All of Us Research Program, National Institutes of Health
Classification: Uncertain significance for Lynch syndrome. Last evaluated: 2023-05-16. Review status: criteria provided, single submitter. Criteria: ACMG Guidelines, 2015. Collection method: clinical testing. Allele origin: germline. Inheritance: Autosomal dominant inheritance. Observed: 3 variant alleles, 3 heterozygotes.
Comment: This missense variant replaces threonine with serine at codon 521 of the MSH6 protein. Computational prediction suggests that this variant may have deleterious impact on protein structure and function (internally defined REVEL score threshold >= 0.7, PMID: 27666373). To our knowledge, functional studies have not been reported for this variant. This variant has not been reported in individuals affected with hereditary cancer in the literature. This variant has not been identified in the general population by the Genome Aggregation Database (gnomAD). The available evidence is insufficient to determine the role of this variant in disease conclusively. Therefore, this variant is classified as a Variant of Uncertain Significance.

This study involves interpretation of variants in research participants for the purpose of population health screening. Participant phenotype was not available at the time of variant classification. Additional details can be found in publication PMID: 35346344, PMCID: PMC8962531

GeneDx
Classification: Uncertain significance. Last evaluated: 2018-05-25. Review status: criteria provided, single submitter. Criteria: GeneDx Variant Classification (06012015). Collection method: clinical testing. Allele origin: germline. Affected: yes.
Comment: This variant is denoted MSH6 c.1561A>T at the cDNA level, p.Thr521Ser (T521S) at the protein level, and results in the change of a Threonine to a Serine (ACA>TCA). This variant has not, to our knowledge, been published in the literature as a pathogenic or benign germline variant. MSH6 Thr521Ser was not observed in large population cohorts (Lek 2016). This variant is located in Connector domain (Warren 2007, Kansikas 2011). In silico analysis, which includes protein predictors and evolutionary conservation, supports a deleterious effect. Based on currently available evidence, it is unclear whether MSH6 Thr521Ser is a pathogenic or benign variant. We consider it to be a variant of uncertain significance.

NM_000179.3(MSH6):c.1561A>T (p.Thr521Ser)

Gene: MSH6 (mutS homolog 6; plus strand). Cytogenetic location: 2p16.3.
Variant type: single nucleotide variant.
Coding change: c.1561A>T on transcript NM_000179.3 (MANE Select); coding-DNA position 1561, A replaced by T.
Protein change: p.Thr521Ser; replaces threonine 521 with serine.
Molecular consequence: missense variant.
Genome position (GRCh38, 1-based): chr2:47,799,544, A>T. VCF-style: chr2-47799544-A-T. GRCh37 (hg19) VCF-style: chr2-48026683-A-T.
Other names: p.T521S:ACA>TCA; c.1171A>T, p.Thr391Ser (NM_001281492.2); c.655A>T, p.Thr219Ser (NM_001281493.2, NM_001281494.2); short protein forms T521S, T219S, T391S.
Identifiers: ClinVar variation 127560 (VCV000127560.22), dbSNP rs587779916, ClinGen allele CA008790.